The following is an entry in ClinVar:

ClinVar aggregate classification (germline): Uncertain significance. Review status: criteria provided, multiple submitters, no conflicts (2 of 4 stars). 2 submissions from 2 submitters: Uncertain significance (2). Last evaluated 2025-09-24.

Conditions:
Hereditary cancer-predisposing syndrome. Also called: Hereditary Cancer Syndrome; Hereditary neoplastic syndrome; Tumor predisposition; Neoplastic Syndromes, Hereditary. Identifiers: Orphanet 140162, MedGen C0027672, MeSH D009386, MONDO:0015356.
Cardiovascular phenotype. Identifiers: MedGen CN230736.
Neurofibromatosis, type 1 (NF1). Also called: NEUROFIBROMATOSIS, TYPE I, SOMATIC; VON RECKLINGHAUSEN DISEASE; Neurofibromatosis, type I; Peripheral type neurofibromatosis. Identifiers: Orphanet 636, MedGen C0027831, MONDO:0018975, OMIM 162200. Disease mechanism: loss of function.

Allele frequency attached by ClinVar (database versions not stated): gnomAD exomes below 0.00001; ExAC 0.00001.
gnomAD v4.1: 1 of 1,613,096 alleles (0.000062%); highest among the groups gnomAD compares: South Asian, 0.0011%; no homozygotes.

Submissions (2):

Labcorp Genetics (formerly Invitae), Labcorp
Classification: Uncertain significance for Neurofibromatosis, type 1. Last evaluated: 2025-09-24. Review status: criteria provided, single submitter. Criteria: Invitae Variant Classification Sherloc (09022015). Collection method: clinical testing. Allele origin: germline.
Comment: This sequence change replaces cysteine, which is neutral and slightly polar, with tyrosine, which is neutral and polar, at codon 1909 of the NF1 protein (p.Cys1909Tyr). This variant is present in population databases (rs755138009, gnomAD 0.003%). This variant has not been reported in the literature in individuals affected with NF1-related conditions. ClinVar contains an entry for this variant (Variation ID: 1364145). Invitae Evidence Modeling of protein sequence and biophysical properties (such as structural, functional, and spatial information, amino acid conservation, physicochemical variation, residue mobility, and thermodynamic stability) indicates that this missense variant is expected to disrupt NF1 protein function with a positive predictive value of 95%. In summary, the available evidence is currently insufficient to determine the role of this variant in disease. Therefore, it has been classified as a Variant of Uncertain Significance.

Ambry Genetics
Classification: Uncertain significance for Cardiovascular phenotype; Hereditary cancer-predisposing syndrome. Last evaluated: 2025-01-20. Review status: criteria provided, single submitter. Criteria: Ambry Variant Classification Scheme 2023. Collection method: clinical testing. Allele origin: germline.
Comment: The p.C1909Y variant (also known as c.5726G>A), located in coding exon 38 of the NF1 gene, results from a G to A substitution at nucleotide position 5726. The cysteine at codon 1909 is replaced by tyrosine, an amino acid with highly dissimilar properties. This amino acid position is highly conserved in available vertebrate species. In addition, this alteration is predicted to be deleterious by in silico analysis. Based on the available evidence, the clinical significance of this variant remains unclear.

NM_001042492.3(NF1):c.5789G>A (p.Cys1930Tyr)

Gene: NF1 (neurofibromin 1; plus strand). Cytogenetic location: 17q11.2.
Variant type: single nucleotide variant.
Coding change: c.5789G>A on transcript NM_001042492.3 (MANE Select); coding-DNA position 5789, G replaced by A.
Protein change: p.Cys1930Tyr; replaces cysteine 1930 with tyrosine.
Molecular consequence: missense variant.
Genome position (GRCh38, 1-based): chr17:31,330,475, G>A. VCF-style: chr17-31330475-G-A. GRCh37 (hg19) VCF-style: chr17-29657493-G-A.
Other names: c.5726G>A, p.Cys1909Tyr (NM_000267.4); short protein forms C1909Y, C1930Y.
Identifiers: ClinVar variation 1364145 (VCV001364145.7), dbSNP rs755138009, ClinGen allele CA8487223.
Genomic context (GRCh38, chr17:31,330,475, plus strand): 5'-CTATTAGTAAGACACTGGCAGCCAATGAGCCACACCTCACGTTAGAATTTTTGGAAGAGT[G>A]TATTTCTGGATTTAGCAAATCTAGTAAGTAATGATAATTTTCTTTAATACTAACAATTAT-3'
Protein context (NP_001035957.1, residues 1920-1940): PHLTLEFLEE[Cys1930Tyr]ISGFSKSSIE